The following is an entry in ClinVar:

NM_005559.4(LAMA1):c.3617C>A (p.Ala1206Asp)

Gene: LAMA1 (laminin subunit alpha 1; minus strand). Cytogenetic location: 18p11.31.
Variant type: single nucleotide variant.
Coding change: c.3617C>A on transcript NM_005559.4 (MANE Select); coding-DNA position 3617, C replaced by A.
Protein change: p.Ala1206Asp; replaces alanine 1206 with aspartic acid.
Molecular consequence: missense variant.
Genome position (GRCh38, 1-based): chr18:7,011,370, G>T on the plus strand (C>A on the coding strand, the complement: LAMA1 is on the minus strand). VCF-style: chr18-7011370-G-T. GRCh37 (hg19) VCF-style: chr18-7011369-G-T.
Other names: short protein forms A1206D.
Identifiers: ClinVar variation 2085332 (VCV002085332.4), dbSNP rs372946104, ClinGen allele CA8882220.

ClinVar aggregate classification (germline): Uncertain significance (1 of 4 stars; one submission).

Allele frequency attached by ClinVar (database versions not stated): ESP Exome Variant Server 0.00008; 1000 Genomes Project 30x 0.00016; 1000 Genomes Project 0.00020.
gnomAD v4.1: 26 of 1,611,760 alleles (0.0016%); highest among the groups gnomAD compares: Admixed American, 0.0033%; no homozygotes.

Submission:

Labcorp Genetics (formerly Invitae), Labcorp
Classification: Uncertain significance. Last evaluated: 2022-05-13. Review status: criteria provided, single submitter. Criteria: Invitae Variant Classification Sherloc (09022015). Collection method: clinical testing. Allele origin: germline.
Comment: In summary, the available evidence is currently insufficient to determine the role of this variant in disease. Therefore, it has been classified as a Variant of Uncertain Significance. Algorithms developed to predict the effect of missense changes on protein structure and function (SIFT, PolyPhen-2, Align-GVGD) all suggest that this variant is likely to be tolerated. This variant has not been reported in the literature in individuals affected with LAMA1-related conditions. This variant is present in population databases (rs372946104, gnomAD 0.005%). This sequence change replaces alanine, which is neutral and non-polar, with aspartic acid, which is acidic and polar, at codon 1206 of the LAMA1 protein (p.Ala1206Asp).